The following is an entry in ClinVar:

NM_033380.3(COL4A5):c.4246C>T (p.Arg1416Cys)

Gene: COL4A5 (collagen type IV alpha 5 chain; plus strand). Cytogenetic location: Xq22.3.
Variant type: single nucleotide variant.
Coding change: c.4246C>T on transcript NM_033380.3 (MANE Select); coding-DNA position 4246, C replaced by T.
Protein change: p.Arg1416Cys; replaces arginine 1416 with cysteine.
Molecular consequence: missense variant.
Genome position (GRCh38, 1-based): chrX:108,686,060, C>T. VCF-style: chrX-108686060-C-T. GRCh37 (hg19) VCF-style: chrX-107929290-C-T.
Other names: c.4228C>T, p.Arg1410Cys (NM_000495.5); short protein forms R1410C, R1416C.
Identifiers: ClinVar variation 24718 (VCV000024718.19), dbSNP rs104886270, ClinGen allele CA259005.

ClinVar aggregate classification (germline): Conflicting classifications of pathogenicity. Review status: criteria provided, conflicting classifications (1 of 4 stars). 12 submissions from 12 submitters: Uncertain significance (10); Likely benign (1). 1 of the submissions does not count toward it. Last evaluated 2026-09-14.

Conditions:
COL4A5-related disorder. Also called: COL4A5-related condition.
X-linked Alport syndrome (ATS1). Also called: COL4A5-Related Nephropathy; NEPHROPATHY AND DEAFNESS, X-LINKED. Identifiers: Orphanet 63, Orphanet 88917, MedGen C4746986, MONDO:0010520, OMIM 301050.

Allele frequency attached by ClinVar (database versions not stated): gnomAD exomes 0.00004; TOPMed 0.00006; gnomAD 0.00008 and 0.00007; 1000 Genomes Project 30x 0.00042; ExAC 0.00005; ESP Exome Variant Server 0.00009; 1000 Genomes Project 0.00026.
gnomAD v4.1: 62 of 1,208,887 alleles (0.0051%); highest among the groups gnomAD compares: African/African-American, 0.0088%; no homozygotes.

Submissions (12):

PreventionGenetics, part of Exact Sciences
Classification: Uncertain significance for COL4A5-related condition. Last evaluated: 2026-09-14. Review status: criteria provided, single submitter. Criteria: ACMG Guidelines, 2015. Collection method: clinical testing. Allele origin: germline.
Comment: The COL4A5 c.4228C>T variant is predicted to result in the amino acid substitution p.Arg1410Cys. This variant has been reported in the presumed hemizygous state in affected males from a single family presenting with hearing loss and kidney failure in early adulthood (Renieri et al. 1996. PubMed ID: 8651296). This variant is reported in 0.0051% of alleles in gnomAD v4, including 24 hemizygotes. At this time, the clinical significance of this variant is uncertain due to the absence of conclusive functional and genetic evidence.

OLLIN Analises Genomicas, OLLIN
Classification: Uncertain significance for X-linked Alport syndrome. Last evaluated: 2026-08-06. Review status: criteria provided, single submitter. Criteria: ACMG Guidelines 2015 PMID 25741868. Collection method: clinical testing. Allele origin: germline. Inheritance: X-linked inheritance.
Comment: This missense variant, located in exon 48 (of 53), has been reported in ClinVar (accession VCV000024718.17) and in gnomAD with an allele frequency of 0.0051%. However, to our knowledge, it has not been reported in the scientific literature. In silico analysis predicts that this variant has a deleterious effect. According to the currently available evidence, this variant has been classified as uncertain significance (PP3).

Labcorp Genetics (formerly Invitae), Labcorp
Classification: Likely benign. Last evaluated: 2024-10-26. Review status: criteria provided, single submitter. Criteria: Invitae Variant Classification Sherloc (09022015). Collection method: clinical testing. Allele origin: germline.

Fulgent Genetics
Classification: Uncertain significance for X-linked Alport syndrome. Last evaluated: 2024-02-10. Review status: criteria provided, single submitter. Criteria: ACMG Guidelines, 2015. Collection method: clinical testing. Allele origin: germline.

Women's Health and Genetics/Laboratory Corporation of America, LabCorp
Classification: Uncertain significance. Last evaluated: 2023-05-10. Review status: criteria provided, single submitter. Criteria: LabCorp Variant Classification Summary - May 2015. Collection method: clinical testing. Allele origin: germline.
Comment: Variant summary: COL4A5 c.4228C>T (p.Arg1410Cys) results in a non-conservative amino acid change located in the triple-helical region of the encoded protein sequence. Four of five in-silico tools predict a damaging effect of the variant on protein function. The variant allele was found at a frequency of 3.8e-05 in 182632 control chromosomes in the gnomAD database, including 5 hemizygotes, providing evidence supporting a benign role. To our knowledge, no experimental evidence demonstrating an impact on protein function has been reported. The following publications have been ascertained in the context of this evaluation (PMID: 9452056, 35580552, 8651296). Seven submitters have provided clinical-significance assessments for this variant to ClinVar after 2014 without evidence for independent evaluation and classified the variant as either VUS (n=6) or likely benign (n=1). Based on the evidence outlined above, the variant was classified as uncertain significance.

Blueprint Genetics
Classification: Uncertain significance. Last evaluated: 2022-11-30. Review status: criteria provided, single submitter. Criteria: ACMG Guidelines, 2015. Collection method: clinical testing. Allele origin: germline.

Mendelics
Classification: Uncertain significance. Last evaluated: 2022-05-04. Review status: criteria provided, single submitter. Criteria: Mendelics Assertion Criteria 2019. Collection method: clinical testing. Allele origin: germline.

GeneDx
Classification: Uncertain significance. Last evaluated: 2022-02-02. Review status: criteria provided, single submitter. Criteria: GeneDx Variant Classification Process June 2021. Collection method: clinical testing. Allele origin: germline. Affected: yes.
Comment: In silico analysis supports that this missense variant has a deleterious effect on protein structure/function; Occurs in the triple helical domain at the X position in the canonical Gly-X-Y repeat; although this variant may have an effect on normal protein folding and function, missense substitution at the X position is not a common mechanism of disease; This variant is associated with the following publications: (PMID: 8651296, 9452056)

MGZ Medical Genetics Center
Classification: Uncertain significance for X-linked Alport syndrome. Last evaluated: 2021-09-28. Review status: criteria provided, single submitter. Criteria: ACMG Guidelines, 2015. Collection method: clinical testing. Allele origin: germline. Affected: yes. Observed: 1 variant allele.
Comment: ACMG criteria applied: PM2_SUP, PP2, PP3

Institute of Human Genetics, University of Leipzig Medical Center
Classification: Uncertain significance for X-linked Alport syndrome. Last evaluated: 2021-08-17. Review status: criteria provided, single submitter. Criteria: ACMG Guidelines, 2015. Collection method: clinical testing. Allele origin: germline.

Gharavi Laboratory, Columbia University
Classification: Uncertain significance. Last evaluated: 2018-09-16. Review status: criteria provided, single submitter. Criteria: ACMG Guidelines, 2015. Collection method: research. Allele origin: germline. Affected: no.

Bioscientia Institut fuer Medizinische Diagnostik GmbH, Sonic Healthcare
Classification: Uncertain significance for X-linked Alport syndrome. Last evaluated: 2017-09-28. Review status: no assertion criteria provided. Collection method: clinical testing. Allele origin: germline. Affected: yes. Not counted in ClinVar's aggregate classification.

Literature cited by the submitters: PubMed 9452056 (cited by Women's Health and Genetics/Laboratory Corporation of America, LabCorp); PubMed 35580552 (cited by Women's Health and Genetics/Laboratory Corporation of America, LabCorp); PubMed 8651296 (cited by Women's Health and Genetics/Laboratory Corporation of America, LabCorp).